The following is an entry in ClinVar:

NM_001873.4(CPE):c.994del (p.Ser333fs)

Gene: CPE (carboxypeptidase E; plus strand). Cytogenetic location: 4q32.3.
Variant type: Deletion.
Coding change: c.994del on transcript NM_001873.4 (MANE Select); coding-DNA position 994, one base deleted (C; older notation c.994delC).
Protein change: p.Ser333fs; shifts the reading frame from serine 333.
Molecular consequence: frameshift variant.
Genome position (GRCh38, 1-based): chr4:165,487,458, C deleted; the last of 2 consecutive C bases (chr4:165,487,457-165,487,458); deleting either gives the same sequence. VCF-style (leftmost placement, unchanged base first): chr4-165487456-AC-A. GRCh37 (hg19) VCF-style: chr4-166408608-AC-A.
Other names: c.994del (NM_001873.3); short protein forms S333fs.
Identifiers: ClinVar variation 649127 (VCV000649127.8), dbSNP rs1579283609, ClinGen allele CA915943240.

ClinVar aggregate classification (germline): Pathogenic. Review status: criteria provided, single submitter (1 of 4 stars). 2 submissions from 2 submitters: Pathogenic (1). 1 of the submissions does not count toward it. Last evaluated 2018-10-20.

Conditions:
BDV syndrome. Also called: BLAKEMORE-DURMAZ-VASILEIOU SYNDROME; INTELLECTUAL DEVELOPMENTAL DISORDER AND HYPOGONADOTROPIC HYPOGONADISM; CPE-related Prader-Willi-like syndrome. Identifiers: Orphanet 633028, MedGen C5543403, MONDO:0859150, OMIM 619326.

Submissions (2):

Labcorp Genetics (formerly Invitae), Labcorp
Classification: Pathogenic. Last evaluated: 2018-10-20. Review status: criteria provided, single submitter. Criteria: Invitae Variant Classification Sherloc (09022015). Collection method: clinical testing. Allele origin: germline.
Comment: For these reasons, this variant has been classified as Pathogenic. Loss-of-function variants in CPE are known to be pathogenic (PMID: 26120850). This variant has not been reported in the literature in individuals with CPE-related disease. This variant is not present in population databases (ExAC no frequency). This sequence change creates a premature translational stop signal (p.Ser333Alafs*22) in the CPE gene. It is expected to result in an absent or disrupted protein product.

OMIM
Classification: Pathogenic for BDV SYNDROME. Last evaluated: 2021-11-01. Review status: no assertion criteria provided. Collection method: literature only. Allele origin: germline. Not counted in ClinVar's aggregate classification.

Literature cited by the submitters: PubMed 26120850 (cited by Labcorp Genetics (formerly Invitae), Labcorp); PubMed 34383079 (cited by OMIM).